The following is an entry in ClinVar:

ClinVar aggregate classification (germline): Uncertain significance (1 of 4 stars; one submission).

Conditions:
Hereditary cancer-predisposing syndrome. Also called: Neoplastic Syndromes, Hereditary; Tumor predisposition; Hereditary neoplastic syndrome; Hereditary Cancer Syndrome. Identifiers: Orphanet 140162, MedGen C0027672, MeSH D009386, MONDO:0015356.

Submission:

Ambry Genetics
Classification: Uncertain significance for Hereditary cancer-predisposing syndrome. Last evaluated: 2026-07-18. Review status: criteria provided, single submitter. Criteria: Ambry Variant Classification Scheme 2023. Collection method: clinical testing. Allele origin: germline.
Comment: The p.N153S variant (also known as c.458A>G), located in coding exon 5 of the MITF gene, results from an A to G substitution at nucleotide position 458. The asparagine at codon 153 is replaced by serine, an amino acid with highly similar properties. This amino acid position is conserved. In addition, this alteration is predicted to be tolerated by in silico analysis. Based on the available evidence, the clinical significance of this variant remains unclear.

NM_001354604.2(MITF):c.779A>G (p.Asn260Ser)

Gene: MITF (melanocyte inducing transcription factor; plus strand). Cytogenetic location: 3p13.
Variant type: single nucleotide variant.
Coding change: c.779A>G on transcript NM_001354604.2 (MANE Select); coding-DNA position 779, A replaced by G.
Protein change: p.Asn260Ser; replaces asparagine 260 with serine.
Molecular consequence: missense variant.
Genome position (GRCh38, 1-based): chr3:69,949,067, A>G. VCF-style: chr3-69949067-A-G. GRCh37 (hg19) VCF-style: chr3-69998218-A-G.
Other names: c.458A>G, p.Asn153Ser (NM_000248.4, NM_198158.3); c.623A>G, p.Asn208Ser (NM_001184967.2, NM_001354608.2); c.776A>G, p.Asn259Ser (NM_001354605.2, NM_001354606.2, NM_006722.3); c.728A>G, p.Asn243Ser (NM_001354607.2); c.779A>G, p.Asn260Ser (NM_198159.3); c.731A>G, p.Asn244Ser (NM_198177.3); c.290A>G, p.Asn97Ser (NM_198178.3); short protein forms N153S, N208S, N259S, N260S, N97S, N243S, N244S.
Identifiers: ClinVar variation 5024473 (VCV005024473.1).